The following is an entry in ClinVar:

ClinVar aggregate classification (germline): Uncertain significance. Review status: criteria provided, multiple submitters, no conflicts (2 of 4 stars). 6 submissions from 6 submitters: Uncertain significance (6). Last evaluated 2026-09-15.

Conditions:
Hereditary cancer-predisposing syndrome. Also called: Hereditary Cancer Syndrome; Hereditary neoplastic syndrome; Tumor predisposition; Neoplastic Syndromes, Hereditary. Identifiers: Orphanet 140162, MedGen C0027672, MeSH D009386, MONDO:0015356.
Familial medullary thyroid carcinoma (MTC). Also called: Familial Medullary Thyroid Carcinoma (FMTC); Thyroid cancer, familial medullary; MTC, familial. Identifiers: Orphanet 653, Orphanet 99361, MedGen C1833921, MONDO:0007958, OMIM 155240.
Pheochromocytoma. Also called: MAX-Related Hereditary Paraganglioma-Pheochromocytoma Syndrome. Identifiers: Orphanet 29072, MedGen C0031511, MONDO:0008233, OMIM 171300, HP:0002666.
Multiple endocrine neoplasia type 2A. Also called: Multiple Endocrine Neoplasia Type 2A (MEN2A); MULTIPLE ENDOCRINE NEOPLASIA, TYPE IIA; PTC SYNDROME; SIPPLE SYNDROME; MEN 2A; MEN-2A syndrome. Identifiers: Orphanet 247698, Orphanet 653, MedGen C0025268, MeSH D018813, MONDO:0008234, OMIM 171400.
Hirschsprung disease, susceptibility to, 1 (HSCR1). Also called: RET-Related Hirschsprung Disease. Identifiers: Orphanet 388, MedGen C3888239, MONDO:0007723, OMIM 142623.
Multiple endocrine neoplasia type 2B. Also called: WAGENMANN-FROBOESE SYNDROME; MULTIPLE ENDOCRINE NEOPLASIA, TYPE III; MUCOSAL NEUROMA SYNDROME; Multiple Endocrine Neoplasia Type 2B (MEN2B); Multiple endocrine neoplasia, type 3; MULTIPLE ENDOCRINE NEOPLASIA, TYPE IIB. Identifiers: Orphanet 247709, Orphanet 653, MedGen C0025269, MeSH D018814, MONDO:0008082, OMIM 162300.
RET-related disorder. Also called: RET-related disorders; RET-related condition; RET-related disease.
Multiple endocrine neoplasia, type 2 (MEN2). Identifiers: Orphanet 653, MedGen C4048306, MONDO:0019003. Disease mechanism: gain of function.

Allele frequency attached by ClinVar (database versions not stated): TOPMed below 0.00001; gnomAD 0.00001; gnomAD exomes 0.00001; ExAC 0.00002.
gnomAD v4.1: 21 of 1,613,814 alleles (0.0013%); highest among the groups gnomAD compares: Admixed American, 0.0017%; no homozygotes.

Submissions (6):

PreventionGenetics, part of Exact Sciences
Classification: Uncertain significance for RET-related condition. Last evaluated: 2026-09-15. Review status: criteria provided, single submitter. Criteria: ACMG Guidelines, 2015. Collection method: clinical testing. Allele origin: germline.
Comment: The RET c.199C>T variant is predicted to result in the amino acid substitution p.Arg67Cys. To our knowledge, this variant has not been reported in the literature. It is reported in 0.0026% of alleles in individuals of European (Non-Finnish) descent in gnomAD and is classified as uncertain in ClinVar (Variation ID: 477335). At this time, the clinical significance of this variant is uncertain due to the absence of conclusive functional and genetic evidence.

Labcorp Genetics (formerly Invitae), Labcorp
Classification: Uncertain significance for Multiple endocrine neoplasia, type 2. Last evaluated: 2026-01-08. Review status: criteria provided, single submitter. Criteria: Invitae Variant Classification Sherloc (09022015). Collection method: clinical testing. Allele origin: germline.
Comment: This sequence change replaces arginine, which is basic and polar, with cysteine, which is neutral and slightly polar, at codon 67 of the RET protein (p.Arg67Cys). This variant is present in population databases (rs749390385, gnomAD 0.002%). This variant has not been reported in the literature in individuals affected with RET-related conditions. ClinVar contains an entry for this variant (Variation ID: 477335). An algorithm developed to predict the effect of missense changes on protein structure and function (PolyPhen-2) suggests that this variant is likely to be tolerated. In summary, the available evidence is currently insufficient to determine the role of this variant in disease. Therefore, it has been classified as a Variant of Uncertain Significance.

Color Diagnostics, LLC DBA Color Health
Classification: Uncertain significance for Multiple endocrine neoplasia, type 2. Last evaluated: 2024-08-14. Review status: criteria provided, single submitter. Criteria: ACMG Guidelines, 2015. Collection method: clinical testing. Allele origin: germline.
Comment: This missense variant replaces arginine with cysteine at codon 67 of the RET protein. Computational prediction suggests that this variant may not impact protein structure and function. To our knowledge, functional studies have not been reported for this variant. This variant has not been reported in individuals affected with hereditary cancer in the literature. This variant has been identified in 3/251134 chromosomes in the general population by the Genome Aggregation Database (gnomAD). The available evidence is insufficient to determine the role of this variant in disease conclusively. Therefore, this variant is classified as a Variant of Uncertain Significance.

Ambry Genetics
Classification: Uncertain significance for Hereditary cancer-predisposing syndrome. Last evaluated: 2024-02-14. Review status: criteria provided, single submitter. Criteria: Ambry Variant Classification Scheme 2023. Collection method: clinical testing. Allele origin: germline.
Comment: The p.R67C variant (also known as c.199C>T), located in coding exon 2 of the RET gene, results from a C to T substitution at nucleotide position 199. The arginine at codon 67 is replaced by cysteine, an amino acid with highly dissimilar properties. This amino acid position is not well conserved in available vertebrate species. In addition, this alteration is predicted to be tolerated by in silico analysis. Based on the available evidence, the clinical significance of this alteration remains unclear.

Baylor Genetics
Classification: Uncertain significance for Hirschsprung disease, susceptibility to, 1. Last evaluated: 2023-08-25. Review status: criteria provided, single submitter. Criteria: ACMG Guidelines, 2015. Collection method: clinical testing. Allele origin: unknown.

Fulgent Genetics
Classification: Uncertain significance for Hirschsprung disease, susceptibility to, 1; Familial medullary thyroid carcinoma; Multiple endocrine neoplasia type 2B; Pheochromocytoma; Multiple endocrine neoplasia type 2A. Last evaluated: 2022-04-17. Review status: criteria provided, single submitter. Criteria: ACMG Guidelines, 2015. Collection method: clinical testing. Allele origin: unknown.

NM_020975.6(RET):c.199C>T (p.Arg67Cys)

Gene: RET (ret proto-oncogene; plus strand). Cytogenetic location: 10q11.21.
Variant type: single nucleotide variant.
Coding change: c.199C>T on transcript NM_020975.6 (MANE Select); coding-DNA position 199, C replaced by T.
Protein change: p.Arg67Cys; replaces arginine 67 with cysteine.
Molecular consequence: missense variant.
Genome position (GRCh38, 1-based): chr10:43,100,584, C>T. VCF-style: chr10-43100584-C-T. GRCh37 (hg19) VCF-style: chr10-43596032-C-T.
Other names: c.199C>T, p.Arg67Cys (NM_000323.2, NM_001406743.1, NM_001406744.1 and 34 more transcripts); short protein forms R67C.
Identifiers: ClinVar variation 477335 (VCV000477335.16), dbSNP rs749390385, ClinGen allele CA036802.